The following is an entry in ClinVar:

ClinVar aggregate classification (germline): Benign. Review status: criteria provided, single submitter (1 of 4 stars). 2 submissions from 2 submitters: Benign (1). 1 of the submissions does not count toward it. Last evaluated 2019-09-30.

Conditions:
CTNND2-related disorder. Also called: CTNND2-related condition.

Submissions (2):

GeneDx
Classification: Benign. Last evaluated: 2019-09-30. Review status: criteria provided, single submitter. Criteria: GeneDx Variant Classification Process June 2021. Collection method: clinical testing. Allele origin: germline. Affected: yes.

PreventionGenetics, part of Exact Sciences
Classification: Likely benign for CTNND2-related condition. Last evaluated: 2022-07-08. Review status: no assertion criteria provided. Collection method: clinical testing. Allele origin: germline. Not counted in ClinVar's aggregate classification.
Comment: This variant is classified as likely benign based on ACMG/AMP sequence variant interpretation guidelines (Richards et al. 2015 PMID: 25741868, with internal and published modifications).

NM_001332.4(CTNND2):c.735CGC[8] (p.Ala250_Ala251dup)

Gene: CTNND2 (catenin delta 2; minus strand). Cytogenetic location: 5p15.2.
Variant type: Microsatellite.
Coding change: c.735CGC[8] on transcript NM_001332.4 (MANE Select); eight copies in a row of the 3-base unit CGC starting at c.735; the reference has six copies in a row; two copies, 6 bases duplicated.
Protein change: p.Ala250_Ala251dup.
Molecular consequence: inframe insertion. On other transcripts: intron variant (3).
Genome position (GRCh38, 1-based): chr5:11,385,090-11,385,095, GCGGCG duplicated on the plus strand (CGCCGC on the coding strand, the reverse complement: CTNND2 is on the minus strand); duplicating any 6 consecutive bases within chr5:11,385,090-11,385,108 gives the same sequence; the position shown is the placement nearest the transcript's 3' end. VCF-style (leftmost placement, unchanged base first): chr5-11385089-C-CGCGGCG. GRCh37 (hg19) VCF-style: chr5-11385201-C-CGCGGCG.
Other names: c.462CGC[8], p.Ala159_Ala160dup (NM_001288715.1); c.-123+11924CGC[8] (NM_001288717.2); c.167-20217CGC[8] (NM_001364128.2, NM_001288716.1); c.747_752dup6 (NM_001332.3).
Identifiers: ClinVar variation 1247042 (VCV001247042.4), dbSNP rs578098885, ClinGen allele CA114394853.
Genomic context (GRCh38, chr5:11,385,089, plus strand): 5'-CGCGGCCAGCGGGGAGCCCCCGCGCGGCGGCGCGGGCAGCGTGGAGCTGGAGTAGTAGAG[C>CGCGGCG]GCGGCGGCGGCGGCGGCGGGCGGCGCGTCGGGCAGGTGGAAGGCGCTGCCCAGGCTGGGC-3'